The following is an entry in ClinVar:

NM_032638.5(GATA2):c.478A>T (p.Thr160Ser)

Gene: GATA2 (GATA binding protein 2; minus strand). Cytogenetic location: 3q21.3.
Variant type: single nucleotide variant.
Coding change: c.478A>T on transcript NM_032638.5 (MANE Select); coding-DNA position 478, A replaced by T.
Protein change: p.Thr160Ser; replaces threonine 160 with serine.
Molecular consequence: missense variant.
Genome position (GRCh38, 1-based): chr3:128,486,120, T>A on the plus strand (A>T on the coding strand, the complement: GATA2 is on the minus strand). VCF-style: chr3-128486120-T-A. GRCh37 (hg19) VCF-style: chr3-128204963-T-A.
Other names: c.478A>T, p.Thr160Ser (NM_001145661.2, NM_001145662.1); short protein forms T160S.
Identifiers: ClinVar variation 2948915 (VCV002948915.4), dbSNP rs1469388941, ClinGen allele CA354406672.

ClinVar aggregate classification (germline): Uncertain significance. Review status: criteria provided, multiple submitters, no conflicts (2 of 4 stars). 2 submissions from 2 submitters: Uncertain significance (2). Last evaluated 2025-06-12.

Conditions:
Inborn genetic diseases. Identifiers: MedGen C0950123, MeSH D030342.
Deafness-lymphedema-leukemia syndrome. Also called: Emberger syndrome; Lymphedema, primary, with myelodysplasia. Identifiers: Orphanet 3226, MedGen C3279664, MONDO:0013540, OMIM 614038.
Monocytopenia with susceptibility to infections. Also called: IMMUNODEFICIENCY 21; GATA2 DEFICIENCY; MONOCYTOPENIA AND MYCOBACTERIAL INFECTION SYNDROME; MONOCYTOPENIA WITH SUSCEPTIBILITY TO MYCOBACTERIAL, FUNGAL, AND PAPILLOMAVIRUS INFECTIONS AND MYELODYSPLASIA; COMBINED IMMUNODEFICIENCY WITH SUSCEPTIBILITY TO MYCOBACTERIAL, VIRAL, AND FUNGAL INFECTIONS; Dendritic cell, monocyte, B lymphocyte, and natural killer lymphocyte deficiency. Identifiers: Orphanet 228423, MedGen C3280030, MONDO:0013607, OMIM 614172.

Submissions (2):

Ambry Genetics
Classification: Uncertain significance for Inborn genetic diseases. Last evaluated: 2025-06-12. Review status: criteria provided, single submitter. Criteria: Ambry Variant Classification Scheme 2023. Collection method: clinical testing. Allele origin: germline.
Comment: The p.T160S variant (also known as c.478A>T), located in coding exon 2 of the GATA2 gene, results from an A to T substitution at nucleotide position 478. The threonine at codon 160 is replaced by serine, an amino acid with similar properties. This amino acid position is not well conserved in available vertebrate species. In addition, this alteration is predicted to be tolerated by in silico analysis. Based on the available evidence, the clinical significance of this variant remains unclear.

Labcorp Genetics (formerly Invitae), Labcorp
Classification: Uncertain significance for Monocytopenia with susceptibility to infections; Deafness-lymphedema-leukemia syndrome. Last evaluated: 2023-06-16. Review status: criteria provided, single submitter. Criteria: Invitae Variant Classification Sherloc (09022015). Collection method: clinical testing. Allele origin: germline.
Comment: In summary, the available evidence is currently insufficient to determine the role of this variant in disease. Therefore, it has been classified as a Variant of Uncertain Significance. Algorithms developed to predict the effect of sequence changes on RNA splicing suggest that this variant may create or strengthen a splice site. Advanced modeling of protein sequence and biophysical properties (such as structural, functional, and spatial information, amino acid conservation, physicochemical variation, residue mobility, and thermodynamic stability) performed at Invitae indicates that this missense variant is not expected to disrupt GATA2 protein function. This variant has not been reported in the literature in individuals affected with GATA2-related conditions. This variant is not present in population databases (gnomAD no frequency). This sequence change replaces threonine, which is neutral and polar, with serine, which is neutral and polar, at codon 160 of the GATA2 protein (p.Thr160Ser).